The following is an entry in ClinVar:

ClinVar aggregate classification (germline): Uncertain significance (1 of 4 stars; one submission).

Conditions:
Infantile spasms. Also called: Infantile spasm. Identifiers: MedGen C3887898, HP:0012469.

gnomAD v4.1: 11 of 1,612,246 alleles (0.00068%); highest among the groups gnomAD compares: Non-Finnish European, 0.00093%; no homozygotes.

Submission:

Labcorp Genetics (formerly Invitae), Labcorp
Classification: Uncertain significance for Infantile spasms. Last evaluated: 2025-07-14. Review status: criteria provided, single submitter. Criteria: Invitae Variant Classification Sherloc (09022015). Collection method: clinical testing. Allele origin: germline.
Comment: This sequence change replaces glutamine, which is neutral and polar, with histidine, which is basic and polar, at codon 764 of the PIK3AP1 protein (p.Gln764His). This variant is not present in population databases (gnomAD no frequency). This variant has not been reported in the literature in individuals affected with PIK3AP1-related conditions. An algorithm developed to predict the effect of missense changes on protein structure and function (PolyPhen-2) suggests that this variant is likely to be disruptive. In summary, the available evidence is currently insufficient to determine the role of this variant in disease. Therefore, it has been classified as a Variant of Uncertain Significance.

NM_152309.3(PIK3AP1):c.2292A>C (p.Gln764His)

Gene: PIK3AP1 (phosphoinositide-3-kinase adaptor protein 1; minus strand). Cytogenetic location: 10q24.1.
Variant type: single nucleotide variant.
Coding change: c.2292A>C on transcript NM_152309.3 (MANE Select); coding-DNA position 2292, A replaced by C.
Protein change: p.Gln764His; replaces glutamine 764 with histidine.
Molecular consequence: missense variant.
Genome position (GRCh38, 1-based): chr10:96,602,348, T>G on the plus strand (A>C on the coding strand, the complement: PIK3AP1 is on the minus strand). VCF-style: chr10-96602348-T-G. GRCh37 (hg19) VCF-style: chr10-98362105-T-G.
Other names: short protein forms Q764H.
Identifiers: ClinVar variation 4701150 (VCV004701150.1).